The following is an entry in ClinVar:

ClinVar aggregate classification (germline): Pathogenic (1 of 4 stars; one submission).

Conditions:
Hypogonadotropic hypogonadism 1 with or without anosmia (HH1). Also called: HYPOGONADOTROPIC HYPOGONADISM AND ANOSMIA; HYPOGONADOTROPIC HYPOGONADISM 1 WITH ANOSMIA; Kallmann syndrome, type 1, X-linked; DYSPLASIA OLFACTOGENITALIS OF DE MORSIER; KAL1-Related GnRH Deficiency (Kallmann Syndrome 1; Kallmann Syndrome, X-Linked); Hypogonadotropic hypogonadism 1 with or without anosmia (Kallmann syndrome 1). Identifiers: Orphanet 478, MedGen C1563719, MONDO:0010635, OMIM 308700. Disease mechanism: loss of function.

Submission:

Labcorp Genetics (formerly Invitae), Labcorp
Classification: Pathogenic for Hypogonadotropic hypogonadism 1 with or without anosmia. Last evaluated: 2024-03-07. Review status: criteria provided, single submitter. Criteria: Invitae Variant Classification Sherloc (09022015). Collection method: clinical testing. Allele origin: germline.
Comment: This sequence change creates a premature translational stop signal (p.Asp286Ilefs*24) in the ANOS1 gene. It is expected to result in an absent or disrupted protein product. Loss-of-function variants in ANOS1 are known to be pathogenic (PMID: 8504298, 11297579). This variant is not present in population databases (gnomAD no frequency). This variant has not been reported in the literature in individuals affected with ANOS1-related conditions. For these reasons, this variant has been classified as Pathogenic.

Literature cited by the submitters: PubMed 8504298; PubMed 11297579.

NM_000216.4(ANOS1):c.852del (p.Asp286fs)

Gene: ANOS1 (anosmin 1; minus strand). Cytogenetic location: Xp22.31.
Variant type: Deletion.
Coding change: c.852del on transcript NM_000216.4 (MANE Select); coding-DNA position 852, one base deleted (C; older notation c.852delC).
Protein change: p.Asp286fs; shifts the reading frame from aspartic acid 286.
Molecular consequence: frameshift variant.
Genome position (GRCh38, 1-based): chrX:8,585,271, G deleted on the plus strand (C on the coding strand, the reverse complement: ANOS1 is on the minus strand); the first of 2 consecutive G bases (chrX:8,585,271-8,585,272); deleting either gives the same sequence. VCF-style (leftmost placement, unchanged base first): chrX-8585270-TG-T. GRCh37 (hg19) VCF-style: chrX-8553311-TG-T.
Other names: short protein forms D286fs.
Identifiers: ClinVar variation 2701773 (VCV002701773.3), dbSNP rs2518492759, ClinGen allele CA2697552847.
Genomic context (GRCh38, chrX:8,585,270, plus strand): 5'-ATGTGTGCCTGGTAGCAAGGATAGTATTCTGTGTCTGGGAAGAAAAGGAAGACTGACCTT[TG>T]GAAGAACGGAAGTGTTTGCTGGGGGCAGTGAAGCCTCGAGTTCCATGCACATTCACAGCA-3'